The following is an entry in ClinVar:

NM_014233.4(UBTF):c.2040TGA[1] (p.Asp681del)

Genes: UBTF (upstream binding transcription factor; minus strand), ATXN7L3-AS1 (ATXN7L3 antisense RNA 1; plus strand). Cytogenetic location: 17q21.31.
Variant type: Microsatellite.
Coding change: c.2040TGA[1] on transcript NM_014233.4 (MANE Select); one copy of the 3-base unit TGA starting at c.2040; the reference has two copies in a row; one copy, 3 bases deleted; also written c.2043_2045del.
Protein change: p.Asp681del; deletes aspartic acid 681.
Molecular consequence: inframe deletion. On other transcripts: non-coding transcript variant (1).
Genome position (GRCh38, 1-based): chr17:44,207,578-44,207,580, TCA deleted on the plus strand (TGA on the coding strand, the reverse complement: UBTF is on the minus strand); deleting any 3 consecutive bases within chr17:44,207,578-44,207,585 gives the same sequence; the position shown is the placement nearest the transcript's 3' end. VCF-style (leftmost placement, unchanged base first): chr17-44207577-TTCA-T. GRCh37 (hg19) VCF-style: chr17-42284945-TTCA-T.
Other names: c.1929TGA[1], p.Asp644del (NM_001076683.2, NM_001076684.3); c.2043_2045del (NM_014233.4); short protein forms D644del, D681del.
Identifiers: ClinVar variation 1709489 (VCV001709489.2), dbSNP rs2509924327, ClinGen allele CA2580613144.
Genomic context (GRCh38, chr17:44,207,577, plus strand): 5'-GGAGTCCCCATTCTCATCATCTTCCTCTTCTTCATCCTCGTCCTCGTCATCCTCATCCTC[TTCA>T]TCATCCTCCTCGGACTCCTTGGAGGGATGGAGGCACATCAGTGGTCTCTGGTCTCTGCCC-3'

ClinVar aggregate classification (germline): Uncertain significance (1 of 4 stars; one submission).

Conditions:
Childhood-onset motor and cognitive regression syndrome with extrapyramidal movement disorder. Also called: NEURODEGENERATION, CHILDHOOD-ONSET, WITH BRAIN ATROPHY. Identifiers: Orphanet 500180, MedGen C4540086, MONDO:0044701, OMIM 617672.

Submission:

MGZ Medical Genetics Center
Classification: Uncertain significance for Childhood-onset motor and cognitive regression syndrome with extrapyramidal movement disorder. Last evaluated: 2022-07-19. Review status: criteria provided, single submitter. Criteria: ACMG Guidelines, 2015. Collection method: clinical testing. Allele origin: germline. Affected: yes. Observed: 2 variant alleles.
Comment: ACMG criteria applied: PM4, PM2_SUP, PP2